The following is an entry in ClinVar:

ClinVar aggregate classification (germline): Uncertain significance (1 of 4 stars; one submission).

Conditions:
Ehlers-Danlos syndrome, type 4 (EDSVASC). Also called: Ehlers-Danlos syndrome vascular type; Ehlers Danlos syndrome, ecchymotic type; Ehlers Danlos syndrome, arterial type; Ehlers Danlos syndrome, Sack-Barabas type; Ehlers-Danlos Syndrome Type IV. Identifiers: Orphanet 286, MedGen C0268338, MONDO:0017314, OMIM 130050.

Submission:

Labcorp Genetics (formerly Invitae), Labcorp
Classification: Uncertain significance for Ehlers-Danlos syndrome, type 4. Last evaluated: 2025-02-09. Review status: criteria provided, single submitter. Criteria: Invitae Variant Classification Sherloc (09022015). Collection method: clinical testing. Allele origin: germline.
Comment: This sequence change replaces proline, which is neutral and non-polar, with serine, which is neutral and polar, at codon 314 of the COL3A1 protein (p.Pro314Ser). This variant is not present in population databases (gnomAD no frequency). This variant has not been reported in the literature in individuals affected with COL3A1-related conditions. Invitae Evidence Modeling of protein sequence and biophysical properties (such as structural, functional, and spatial information, amino acid conservation, physicochemical variation, residue mobility, and thermodynamic stability) indicates that this missense variant is not expected to disrupt COL3A1 protein function with a negative predictive value of 95%. In summary, the available evidence is currently insufficient to determine the role of this variant in disease. Therefore, it has been classified as a Variant of Uncertain Significance.

NM_000090.4(COL3A1):c.940C>T (p.Pro314Ser)

Gene: COL3A1 (collagen type III alpha 1 chain; plus strand). Cytogenetic location: 2q32.2.
Variant type: single nucleotide variant.
Coding change: c.940C>T on transcript NM_000090.4 (MANE Select); coding-DNA position 940, C replaced by T.
Protein change: p.Pro314Ser; replaces proline 314 with serine.
Molecular consequence: missense variant.
Genome position (GRCh38, 1-based): chr2:188,991,711, C>T. VCF-style: chr2-188991711-C-T. GRCh37 (hg19) VCF-style: chr2-189856437-C-T.
Other names: short protein forms P314S.
Identifiers: ClinVar variation 3713689 (VCV003713689.2).